The following is an entry in ClinVar:

NM_001379500.1(COL18A1):c.2958_2985del (p.Pro987fs)

Genes: COL18A1 (collagen type XVIII alpha 1 chain; plus strand), SLC19A1 (solute carrier family 19 member 1; minus strand). Cytogenetic location: 21q22.3.
Variant type: Deletion.
Coding change: c.2958_2985del on transcript NM_001379500.1 (MANE Select); coding-DNA positions 2958 to 2985, 28 bases deleted (TCCCGGCCCCCCAGGCCCCCCAGGGCCC).
Protein change: p.Pro987fs; shifts the reading frame from proline 987.
Molecular consequence: frameshift variant.
Genome position (GRCh38, 1-based): chr21:45,505,223-45,505,250, TCCCGGCCCCCCAGGCCCCCCAGGGCCC deleted; deleting any 28 consecutive bases within chr21:45,505,214-45,505,250 gives the same sequence; the c. name uses the placement nearest the transcript's 3' end. VCF-style (leftmost placement, unchanged base first): chr21-45505213-GCCAGGGCCCTCCCGGCCCCCCAGGCCCC-G. GRCh37 (hg19) VCF-style: chr21-46925127-GCCAGGGCCCTCCCGGCCCCCCAGGCCCC-G.
Other names: c.3489_3516del, p.Pro1164fs (NM_030582.4); c.4194_4221del, p.Pro1399fs (NM_130444.3); short protein forms P1399fs, P1164fs, P987fs.
Identifiers: ClinVar variation 1430381 (VCV001430381.6), dbSNP rs1568942232, ClinGen allele CA638497268.

ClinVar aggregate classification (germline): Pathogenic (1 of 4 stars; one submission).

Submission:

Labcorp Genetics (formerly Invitae), Labcorp
Classification: Pathogenic. Last evaluated: 2025-04-04. Review status: criteria provided, single submitter. Criteria: Invitae Variant Classification Sherloc (09022015). Collection method: clinical testing. Allele origin: germline.
Comment: This sequence change creates a premature translational stop signal (p.Pro984Leufs*35) in the COL18A1 gene. It is expected to result in an absent or disrupted protein product. Loss-of-function variants in COL18A1 are known to be pathogenic (PMID: 12415512, 25456301). This variant is present in population databases (no rsID available, gnomAD 0.001%). This premature translational stop signal has been observed in individual(s) with clinical features of Knobloch syndrome (PMID: 33238767). This variant is also known as c.4194_4221del; p.Pro1399LeufsTer35. ClinVar contains an entry for this variant (Variation ID: 1430381). For these reasons, this variant has been classified as Pathogenic.

Literature cited by the submitters: PubMed 12415512; PubMed 25456301; PubMed 33238767.